The following is an entry in ClinVar:

ClinVar aggregate classification (germline): Uncertain significance (1 of 4 stars; one submission).

Conditions:
Baller-Gerold syndrome (BGS). Also called: CRANIOSYNOSTOSIS WITH RADIAL DEFECTS. Identifiers: Orphanet 1225, MedGen C0265308, MONDO:0009039, OMIM 218600.

Submission:

Labcorp Genetics (formerly Invitae), Labcorp
Classification: Uncertain significance for Baller-Gerold syndrome. Last evaluated: 2022-10-31. Review status: criteria provided, single submitter. Criteria: Invitae Variant Classification Sherloc (09022015). Collection method: clinical testing. Allele origin: germline.
Comment: A copy number gain of the genomic region encompassing the full coding sequence of the RECQL4 gene has been identified. The boundaries of this event are unknown as they extend beyond the assayed region for this gene and therefore may encompass additional genes. As the precise location of this event is unknown, it may be in tandem or it may be located elsewhere in the genome. This variant has not been reported in the literature in individuals affected with RECQL4-related conditions. Experimental studies and prediction algorithms are not available or were not evaluated, and the functional significance of this variant is currently unknown. In summary, the available evidence is currently insufficient to determine the role of this variant in disease. Therefore, it has been classified as a Variant of Uncertain Significance.

NC_000008.10:g.(?_145736814)_(145743168_?)dup

Gene: RECQL4 (RecQ like helicase 4; minus strand). Cytogenetic location: 8q24.3.
Variant type: Duplication.
Identifiers: ClinVar variation 830597 (VCV000830597.2).